The following is an entry in ClinVar:

ClinVar aggregate classification (germline): Uncertain significance (1 of 4 stars; one submission).

Submission:

GeneDx
Classification: Uncertain significance. Last evaluated: 2025-09-26. Review status: criteria provided, single submitter. Criteria: GeneDx Variant Classification Process June 2021. Collection method: clinical testing. Allele origin: germline.
Comment: Not observed at significant frequency in large population cohorts (gnomAD); In silico analysis supports that this missense variant has a deleterious effect on protein structure/function; Has not been previously published as pathogenic or benign to our knowledge

NM_001363.5(DKC1):c.1024G>A (p.Ala342Thr)

Gene: DKC1 (dyskerin pseudouridine synthase 1; plus strand). Cytogenetic location: Xq28.
Variant type: single nucleotide variant.
Coding change: c.1024G>A on transcript NM_001363.5 (MANE Select); coding-DNA position 1024, G replaced by A.
Protein change: p.Ala342Thr; replaces alanine 342 with threonine.
Molecular consequence: missense variant. On other transcripts: non-coding transcript variant (3).
Genome position (GRCh38, 1-based): chrX:154,770,867, G>A. VCF-style: chrX-154770867-G-A. GRCh37 (hg19) VCF-style: chrX-153999142-G-A.
Other names: c.1024G>A, p.Ala342Thr (NM_001142463.3, NM_001288747.2); short protein forms A342T.
Identifiers: ClinVar variation 3364178 (VCV003364178.2).